The following is an entry in ClinVar:

ClinVar aggregate classification (germline): Pathogenic (1 of 4 stars; one submission).

Allele frequency attached by ClinVar (database versions not stated): gnomAD exomes below 0.00001.

Submission:

Labcorp Genetics (formerly Invitae), Labcorp
Classification: Pathogenic. Last evaluated: 2023-10-23. Review status: criteria provided, single submitter. Criteria: Invitae Variant Classification Sherloc (09022015). Collection method: clinical testing. Allele origin: germline.
Comment: This sequence change creates a premature translational stop signal (p.Leu135Glufs*2) in the CFAP410 gene. It is expected to result in an absent or disrupted protein product. Loss-of-function variants in CFAP410 are known to be pathogenic (PMID: 23105016, 26167768). This variant is not present in population databases (gnomAD no frequency). This variant has not been reported in the literature in individuals affected with CFAP410-related conditions. For these reasons, this variant has been classified as Pathogenic.

Literature cited by the submitters: PubMed 23105016; PubMed 26167768.

NM_004928.3(CFAP410):c.403_404del (p.Leu135fs)

Gene: CFAP410 (cilia and flagella associated protein 410; minus strand). Cytogenetic location: 21q22.3.
Variant type: Deletion.
Coding change: c.403_404del on transcript NM_004928.3 (MANE Select); coding-DNA positions 403 to 404, 2 bases deleted (CT; older notation c.403_404delCT).
Protein change: p.Leu135fs; shifts the reading frame from leucine 135.
Molecular consequence: frameshift variant.
Genome position (GRCh38, 1-based): chr21:44,331,984-44,331,985, AG deleted on the plus strand (CT on the coding strand, the reverse complement: CFAP410 is on the minus strand). VCF-style (leftmost placement, unchanged base first): chr21-44331983-CAG-C. GRCh37 (hg19) VCF-style: chr21-45751866-CAG-C.
Other names: c.403_404del, p.Leu135fs (NM_001271440.2, NM_001271441.2); c.280_281del, p.Leu94fs (NM_001271442.1); short protein forms L135fs, L94fs.
Identifiers: ClinVar variation 2820374 (VCV002820374.3), dbSNP rs2518048273, ClinGen allele CA2654807179.